The following is an entry in ClinVar:

ClinVar aggregate classification (germline): Uncertain significance (1 of 4 stars; one submission).

Conditions:
Severe early-onset pulmonary alveolar proteinosis due to MARS deficiency. Also called: PULMONARY ALVEOLAR PROTEINOSIS, REUNION ISLAND; Interstitial lung and liver disease. Identifiers: Orphanet 440427, MedGen C4225400, MONDO:0014206, OMIM 615486.
Charcot-Marie-Tooth disease axonal type 2U. Also called: CHARCOT-MARIE-TOOTH NEUROPATHY, TYPE 2U; CHARCOT-MARIE-TOOTH DISEASE, AXONAL, AUTOSOMAL DOMINANT, TYPE 2U. Identifiers: Orphanet 397735, MedGen C4084821, MONDO:0014566, OMIM 616280.

Submission:

Labcorp Genetics (formerly Invitae), Labcorp
Classification: Uncertain significance for Charcot-Marie-Tooth disease axonal type 2U; Severe early-onset pulmonary alveolar proteinosis due to MARS deficiency. Last evaluated: 2025-06-03. Review status: criteria provided, single submitter. Criteria: Invitae Variant Classification Sherloc (09022015). Collection method: clinical testing. Allele origin: germline.
Comment: This sequence change replaces valine, which is neutral and non-polar, with leucine, which is neutral and non-polar, at codon 117 of the MARS protein (p.Val117Leu). This variant is not present in population databases (gnomAD no frequency). This variant has not been reported in the literature in individuals affected with MARS-related conditions. An algorithm developed to predict the effect of missense changes on protein structure and function outputs the following: PolyPhen-2: "Benign". The leucine amino acid residue is found in multiple mammalian species, which suggests that this missense change does not adversely affect protein function. In summary, the available evidence is currently insufficient to determine the role of this variant in disease. Therefore, it has been classified as a Variant of Uncertain Significance.

NM_004990.4(MARS1):c.349G>C (p.Val117Leu)

Gene: MARS1 (methionyl-tRNA synthetase 1; plus strand). Cytogenetic location: 12q13.3.
Variant type: single nucleotide variant.
Coding change: c.349G>C on transcript NM_004990.4 (MANE Select); coding-DNA position 349, G replaced by C.
Protein change: p.Val117Leu; replaces valine 117 with leucine.
Molecular consequence: missense variant.
Genome position (GRCh38, 1-based): chr12:57,489,493, G>C. VCF-style: chr12-57489493-G-C. GRCh37 (hg19) VCF-style: chr12-57883276-G-C.
Other names: short protein forms V117L.
Identifiers: ClinVar variation 4793228 (VCV004793228.1).
Genomic context (GRCh38, chr12:57,489,493, plus strand): 5'-TCTGCTGCCCTGTACTATTTAGTGGTCCAAGGCAAGAAGGGGGAAGATGTTCTTGGTTCA[G>C]TGCGGAGAGCCCTGACTCACATTGACCACAGCTTGAGTCGTCAGAACTGTCCTTTCCTGG-3'
Protein context (NP_004981.2, residues 107-127): GKKGEDVLGS[Val117Leu]RRALTHIDHS